The following is an entry in ClinVar:

NM_001211.6(BUB1B):c.2762A>T (p.Gln921Leu)

Genes: BUB1B (BUB1 mitotic checkpoint serine/threonine kinase B; plus strand), BUB1B-PAK6 (BUB1B-PAK6 readthrough; plus strand). Cytogenetic location: 15q15.1.
Variant type: single nucleotide variant.
Coding change: c.2762A>T on transcript NM_001211.6 (MANE Select); coding-DNA position 2762, A replaced by T.
Protein change: p.Gln921Leu; replaces glutamine 921 with leucine.
Molecular consequence: missense variant. On other transcripts: 5 prime UTR variant (2).
Genome position (GRCh38, 1-based): chr15:40,217,579, A>T. VCF-style: chr15-40217579-A-T. GRCh37 (hg19) VCF-style: chr15-40509780-A-T.
Other names: c.-289A>T (NM_001128628.3); c.-206A>T (NM_001128629.3); short protein forms Q921L.
Identifiers: ClinVar variation 582237 (VCV000582237.14), dbSNP rs141119531, ClinGen allele CA7476117.

ClinVar aggregate classification (germline): Uncertain significance. Review status: criteria provided, multiple submitters, no conflicts (2 of 4 stars). 3 submissions from 3 submitters: Uncertain significance (3). Last evaluated 2025-08-14.

Conditions:
Inborn genetic diseases. Identifiers: MedGen C0950123, MeSH D030342.
Mosaic variegated aneuploidy syndrome 1 (MVA1). Also called: Warburton-Anyane-Yeboa syndrome. Identifiers: Orphanet 1052, MedGen C1850343, MONDO:0009759, OMIM 257300.

Allele frequency attached by ClinVar (database versions not stated): gnomAD exomes 0.00003; ExAC 0.00005; gnomAD 0.00014 and 0.00015; ESP Exome Variant Server 0.00015; TOPMed 0.00015; 1000 Genomes Project 30x 0.00031; 1000 Genomes Project 0.00040.
gnomAD v4.1: 44 of 1,614,182 alleles (0.0027%); highest among the groups gnomAD compares: African/African-American, 0.049%; no homozygotes.

Submissions (3):

Labcorp Genetics (formerly Invitae), Labcorp
Classification: Uncertain significance for Mosaic variegated aneuploidy syndrome 1. Last evaluated: 2025-08-14. Review status: criteria provided, single submitter. Criteria: Invitae Variant Classification Sherloc (09022015). Collection method: clinical testing. Allele origin: germline.
Comment: This sequence change replaces glutamine, which is neutral and polar, with leucine, which is neutral and non-polar, at codon 921 of the BUB1B protein (p.Gln921Leu). This variant is present in population databases (rs141119531, gnomAD 0.04%). This variant has not been reported in the literature in individuals affected with BUB1B-related conditions. ClinVar contains an entry for this variant (Variation ID: 582237). An algorithm developed to predict the effect of missense changes on protein structure and function (PolyPhen-2) suggests that this variant is likely to be tolerated. In summary, the available evidence is currently insufficient to determine the role of this variant in disease. Therefore, it has been classified as a Variant of Uncertain Significance.

Ambry Genetics
Classification: Uncertain significance for Inborn genetic diseases. Last evaluated: 2025-01-20. Review status: criteria provided, single submitter. Criteria: Ambry Variant Classification Scheme 2023. Collection method: clinical testing. Allele origin: germline.

St. Jude Molecular Pathology, St. Jude Children's Research Hospital
Classification: Uncertain significance for Mosaic variegated aneuploidy syndrome 1. Last evaluated: 2024-01-20. Review status: criteria provided, single submitter. Criteria: St. Jude Assertion Criteria 2020. Collection method: clinical testing. Allele origin: germline.
Comment: The BUB1B c.2762A>T (p.Gln921Leu) missense change has a maximum subpopulation frequency of 0.04% in gnomAD v2.1.1. The in silico tool REVEL predicts a benign effect on protein function, but to our knowledge this prediction has not been confirmed by functional studies. To our knowledge, this variant has not been reported in individuals with mosaic variegated aneuploidy syndrome. In summary, the evidence currently available is insufficient to determine the role of this variant in mosaic variegated aneuploidy syndrome. It has therefore been classified as of uncertain significance.